The following is an entry in ClinVar:

ClinVar aggregate classification (germline): Uncertain significance (1 of 4 stars; one submission).

Allele frequency attached by ClinVar (database versions not stated): gnomAD 0.00003; TOPMed 0.00003; gnomAD exomes 0.00014; ExAC 0.00020; 1000 Genomes Project 0.00040; 1000 Genomes Project 30x 0.00047.
gnomAD v4.1: 208 of 1,612,310 alleles (0.013%); highest among the groups gnomAD compares: South Asian, 0.12%; 2 homozygotes.

Submission:

Labcorp Genetics (formerly Invitae), Labcorp
Classification: Uncertain significance. Last evaluated: 2024-12-02. Review status: criteria provided, single submitter. Criteria: Invitae Variant Classification Sherloc (09022015). Collection method: clinical testing. Allele origin: germline.
Comment: This sequence change replaces valine, which is neutral and non-polar, with methionine, which is neutral and non-polar, at codon 253 of the SLC30A10 protein (p.Val253Met). This variant is present in population databases (rs550245711, gnomAD 0.1%), including at least one homozygous and/or hemizygous individual. This variant has not been reported in the literature in individuals affected with SLC30A10-related conditions. ClinVar contains an entry for this variant (Variation ID: 2048355). Invitae Evidence Modeling of protein sequence and biophysical properties (such as structural, functional, and spatial information, amino acid conservation, physicochemical variation, residue mobility, and thermodynamic stability) indicates that this missense variant is expected to disrupt SLC30A10 protein function with a positive predictive value of 80%. In summary, the available evidence is currently insufficient to determine the role of this variant in disease. Therefore, it has been classified as a Variant of Uncertain Significance.

NM_018713.3(SLC30A10):c.757G>A (p.Val253Met)

Gene: SLC30A10 (solute carrier family 30 member 10; minus strand). Cytogenetic location: 1q41.
Variant type: single nucleotide variant.
Coding change: c.757G>A on transcript NM_018713.3 (MANE Select); coding-DNA position 757, G replaced by A.
Protein change: p.Val253Met; replaces valine 253 with methionine.
Molecular consequence: missense variant. On other transcripts: non-coding transcript variant (2).
Genome position (GRCh38, 1-based): chr1:219,918,456, C>T on the plus strand (G>A on the coding strand, the complement: SLC30A10 is on the minus strand). VCF-style: chr1-219918456-C-T. GRCh37 (hg19) VCF-style: chr1-220091798-C-T.
Other names: c.568G>A, p.Val190Met (NM_001376929.1); c.82G>A, p.Val28Met (NM_001416004.1, NM_001416005.1); short protein forms V28M, V190M, V253M.
Identifiers: ClinVar variation 2048355 (VCV002048355.3), dbSNP rs550245711, ClinGen allele CA1399238.
Genomic context (GRCh38, chr1:219,918,456, plus strand): 5'-ACGGGTCCTCACTCTTCAGGGGAAGCACATAGAATATGATGGCCGTGATGACCACAACCA[C>T]GGACCCCAGGGCATCTCCCATCACATGCAAAAGTACACCTGCCAGGAAGAAAGACTACTG-3'
Protein context (NP_061183.2, residues 243-263): LHVMGDALGS[Val253Met]VVVITAIIFY